The following is an entry in ClinVar:

NM_001605.3(AARS1):c.2331G>A (p.Met777Ile)

Gene: AARS1 (alanyl-tRNA synthetase 1; minus strand). Cytogenetic location: 16q22.1.
Variant type: single nucleotide variant.
Coding change: c.2331G>A on transcript NM_001605.3 (MANE Select); coding-DNA position 2331, G replaced by A.
Protein change: p.Met777Ile; replaces methionine 777 with isoleucine.
Molecular consequence: missense variant.
Genome position (GRCh38, 1-based): chr16:70,254,690, C>T on the plus strand (G>A on the coding strand, the complement: AARS1 is on the minus strand). VCF-style: chr16-70254690-C-T. GRCh37 (hg19) VCF-style: chr16-70288593-C-T.
Other names: short protein forms M777I.
Identifiers: ClinVar variation 643593 (VCV000643593.8), dbSNP rs1335792344, ClinGen allele CA396555830.

ClinVar aggregate classification (germline): Uncertain significance (1 of 4 stars; one submission).

Conditions:
Charcot-Marie-Tooth disease type 2. Also called: Charcot-Marie-Tooth type 2. Identifiers: Orphanet 64746, MedGen C0270914, MONDO:0018993.

Allele frequency attached by ClinVar (database versions not stated): gnomAD exomes below 0.00001.
gnomAD v4.1: 2 of 1,614,112 alleles (0.00012%); highest among the groups gnomAD compares: Non-Finnish European, 0.00017%; no homozygotes.

Submission:

Labcorp Genetics (formerly Invitae), Labcorp
Classification: Uncertain significance for Charcot-Marie-Tooth disease type 2. Last evaluated: 2018-08-27. Review status: criteria provided, single submitter. Criteria: Invitae Variant Classification Sherloc (09022015). Collection method: clinical testing. Allele origin: germline.
Comment: This variant is not present in population databases (ExAC no frequency). This sequence change replaces methionine with isoleucine at codon 777 of the AARS protein (p.Met777Ile). The methionine residue is weakly conserved and there is a small physicochemical difference between methionine and isoleucine. This variant has not been reported in the literature in individuals with AARS-related disease. In summary, the available evidence is currently insufficient to determine the role of this variant in disease. Therefore, it has been classified as a Variant of Uncertain Significance. Algorithms developed to predict the effect of sequence changes on RNA splicing suggest that this variant may create or strengthen a splice site, but this prediction has not been confirmed by published transcriptional studies. Algorithms developed to predict the effect of missense changes on protein structure and function (SIFT, PolyPhen-2, Align-GVGD) all suggest that this variant is likely to be tolerated, but these predictions have not been confirmed by published functional studies and their clinical significance is uncertain.